The following is an entry in ClinVar:

NM_006348.5(COG5):c.46C>T (p.Arg16Ter)

Gene: COG5 (component of oligomeric golgi complex 5; minus strand). Cytogenetic location: 7q22.3.
Variant type: single nucleotide variant.
Coding change: c.46C>T on transcript NM_006348.5 (MANE Select); coding-DNA position 46, C replaced by T.
Protein change: p.Arg16Ter; replaces arginine 16 with a stop codon.
Molecular consequence: nonsense.
Genome position (GRCh38, 1-based): chr7:107,563,851, G>A on the plus strand (C>T on the coding strand, the complement: COG5 is on the minus strand). VCF-style: chr7-107563851-G-A. GRCh37 (hg19) VCF-style: chr7-107204296-G-A.
Other names: c.46C>T, p.Arg16Ter (NM_001161520.2, NM_001379511.1, NM_001379512.1 and 5 more transcripts); short protein forms R16*.
Identifiers: ClinVar variation 2869661 (VCV002869661.3), dbSNP rs1214642702, ClinGen allele CA368826259.

ClinVar aggregate classification (germline): Pathogenic (1 of 4 stars; one submission).

Conditions:
COG5-congenital disorder of glycosylation. Also called: CONGENITAL DISORDER OF GLYCOSYLATION, TYPE IIi; CDG IIi; COG5-CDG. Identifiers: Orphanet 263487, MedGen C3150876, MONDO:0013325, OMIM 613612.

gnomAD v4.1: 1 of 1,613,678 alleles (0.000062%); highest among the groups gnomAD compares: Non-Finnish European, 0.000085%; no homozygotes.

Submission:

Labcorp Genetics (formerly Invitae), Labcorp
Classification: Pathogenic for COG5-congenital disorder of glycosylation. Last evaluated: 2023-07-19. Review status: criteria provided, single submitter. Criteria: Invitae Variant Classification Sherloc (09022015). Collection method: clinical testing. Allele origin: germline.
Comment: This sequence change creates a premature translational stop signal (p.Arg47*) in the COG5 gene. It is expected to result in an absent or disrupted protein product. Loss-of-function variants in COG5 are known to be pathogenic (PMID: 23228021). This variant is present in population databases (no rsID available, gnomAD 0.0009%). This variant has not been reported in the literature in individuals affected with COG5-related conditions. For these reasons, this variant has been classified as Pathogenic.

Literature cited by the submitters: PubMed 23228021.